The following is an entry in ClinVar:

ClinVar aggregate classification (germline): Uncertain significance (1 of 4 stars; one submission).

Submission:

Labcorp Genetics (formerly Invitae), Labcorp
Classification: Uncertain significance. Last evaluated: 2021-01-27. Review status: criteria provided, single submitter. Criteria: Invitae Variant Classification Sherloc (09022015). Collection method: clinical testing. Allele origin: germline.
Comment: This variant is not present in population databases (ExAC no frequency). In summary, the available evidence is currently insufficient to determine the role of this variant in disease. Therefore, it has been classified as a Variant of Uncertain Significance. Algorithms developed to predict the effect of missense changes on protein structure and function are either unavailable or do not agree on the potential impact of this missense change (SIFT: "Deleterious"; PolyPhen-2: "Benign"; Align-GVGD: "Class C0"). This variant has not been reported in the literature in individuals with GPR179-related conditions. This sequence change replaces glutamic acid with glycine at codon 2180 of the GPR179 protein (p.Glu2180Gly). The glutamic acid residue is weakly conserved and there is a moderate physicochemical difference between glutamic acid and glycine.

NM_001004334.4(GPR179):c.6539A>G (p.Glu2180Gly)

Gene: GPR179 (G protein-coupled receptor 179; minus strand). Cytogenetic location: 17q12.
Variant type: single nucleotide variant.
Coding change: c.6539A>G on transcript NM_001004334.4 (MANE Select); coding-DNA position 6539, A replaced by G.
Protein change: p.Glu2180Gly; replaces glutamic acid 2180 with glycine.
Molecular consequence: missense variant.
Genome position (GRCh38, 1-based): chr17:38,327,030, T>C on the plus strand (A>G on the coding strand, the complement: GPR179 is on the minus strand). VCF-style: chr17-38327030-T-C. GRCh37 (hg19) VCF-style: chr17-36482913-T-C.
Other names: short protein forms E2180G.
Identifiers: ClinVar variation 1509457 (VCV001509457.8), dbSNP rs2144254289, ClinGen allele CA398869216.